The following is an entry in ClinVar:

ClinVar aggregate classification (germline): Uncertain significance. Review status: criteria provided, multiple submitters, no conflicts (2 of 4 stars). 5 submissions from 5 submitters: Uncertain significance (4). 1 of the submissions does not count toward it. Last evaluated 2026-08-12.

Conditions:
Meckel-Gruber syndrome. Also called: GRUBER SYNDROME; DYSENCEPHALIA SPLANCHNOCYSTICA; Dysencephalia splachnocystica. Identifiers: Orphanet 564, MedGen C0265215, MONDO:0018921.
Joubert syndrome. Also called: Familial aplasia of the vermis; JOUBERT-BOLTSHAUSER SYNDROME. Identifiers: Orphanet 475, MedGen C5979921, MONDO:0018772.
RPGRIP1L-related disorder. Also called: RPGRIP1L-related disorders; RPGRIP1L-related condition. Identifiers: MedGen CN239416.

Allele frequency attached by ClinVar (database versions not stated): gnomAD exomes 0.00002 and 0.00006; TOPMed 0.00009; ExAC 0.00010; ESP Exome Variant Server 0.00015; gnomAD 0.00015; 1000 Genomes Project 30x 0.00031; 1000 Genomes Project 0.00040.
gnomAD v4.1: 58 of 1,613,574 alleles (0.0036%); highest among the groups gnomAD compares: African/African-American, 0.043%; no homozygotes.

Submissions (5):

PreventionGenetics, part of Exact Sciences
Classification: Uncertain significance for RPGRIP1L-related condition. Last evaluated: 2026-08-12. Review status: criteria provided, single submitter. Criteria: ACMG Guidelines, 2015. Collection method: clinical testing. Allele origin: germline.
Comment: The RPGRIP1L c.481C>T variant is predicted to result in the amino acid substitution p.Arg161Cys. To our knowledge, this variant has not been reported in the literature. This variant is reported in 0.052% of alleles in individuals of African descent in gnomAD. Although we suspect that this variant may be benign, at this time, the clinical significance of this variant is uncertain due to the absence of conclusive functional and genetic evidence.

GeneDx
Classification: Uncertain significance. Last evaluated: 2024-07-01. Review status: criteria provided, single submitter. Criteria: GeneDx Variant Classification Process June 2021. Collection method: clinical testing. Allele origin: germline. Affected: yes.
Comment: In silico analysis supports that this missense variant does not alter protein structure/function; Has not been previously published as pathogenic or benign to our knowledge

Labcorp Genetics (formerly Invitae), Labcorp
Classification: Uncertain significance for Joubert syndrome; Meckel-Gruber syndrome. Last evaluated: 2022-10-24. Review status: criteria provided, single submitter. Criteria: Invitae Variant Classification Sherloc (09022015). Collection method: clinical testing. Allele origin: germline.
Comment: This sequence change replaces arginine, which is basic and polar, with cysteine, which is neutral and slightly polar, at codon 161 of the RPGRIP1L protein (p.Arg161Cys). This variant is present in population databases (rs374860980, gnomAD 0.06%). This variant has not been reported in the literature in individuals affected with RPGRIP1L-related conditions. ClinVar contains an entry for this variant (Variation ID: 850282). Advanced modeling of protein sequence and biophysical properties (such as structural, functional, and spatial information, amino acid conservation, physicochemical variation, residue mobility, and thermodynamic stability) performed at Invitae indicates that this missense variant is not expected to disrupt RPGRIP1L protein function. In summary, the available evidence is currently insufficient to determine the role of this variant in disease. Therefore, it has been classified as a Variant of Uncertain Significance.

Blueprint Genetics
Classification: Uncertain significance. Last evaluated: 2020-12-04. Review status: criteria provided, single submitter. Criteria: ACMG Guidelines, 2015. Collection method: clinical testing. Allele origin: germline.

Natera, Inc.
Classification: Uncertain significance for Joubert syndrome. Last evaluated: 2020-04-24. Review status: no assertion criteria provided. Collection method: clinical testing. Allele origin: germline. Not counted in ClinVar's aggregate classification.

NM_015272.5(RPGRIP1L):c.481C>T (p.Arg161Cys)

Gene: RPGRIP1L (RPGRIP1 like; minus strand). Cytogenetic location: 16q12.2.
Variant type: single nucleotide variant.
Coding change: c.481C>T on transcript NM_015272.5 (MANE Select); coding-DNA position 481, C replaced by T.
Protein change: p.Arg161Cys; replaces arginine 161 with cysteine.
Molecular consequence: missense variant.
Genome position (GRCh38, 1-based): chr16:53,692,114, G>A on the plus strand (C>T on the coding strand, the complement: RPGRIP1L is on the minus strand). VCF-style: chr16-53692114-G-A. GRCh37 (hg19) VCF-style: chr16-53726026-G-A.
Other names: c.481C>T, p.Arg161Cys (NM_001127897.4, NM_001308334.3, NM_001330538.2); c.481C>T (NM_015272.4); short protein forms R161C.
Identifiers: ClinVar variation 850282 (VCV000850282.10), dbSNP rs374860980, ClinGen allele CA8058115.